The following is an entry in ClinVar:

NM_080680.3(COL11A2):c.3968C>T (p.Ala1323Val)

Gene: COL11A2 (collagen type XI alpha 2 chain; minus strand). Cytogenetic location: 6p21.32.
Variant type: single nucleotide variant.
Coding change: c.3968C>T on transcript NM_080680.3 (MANE Select); coding-DNA position 3968, C replaced by T.
Protein change: p.Ala1323Val; replaces alanine 1323 with valine.
Molecular consequence: missense variant.
Genome position (GRCh38, 1-based): chr6:33,167,845, G>A on the plus strand (C>T on the coding strand, the complement: COL11A2 is on the minus strand). VCF-style: chr6-33167845-G-A. GRCh37 (hg19) VCF-style: chr6-33135622-G-A.
Other names: c.3968C>T (NM_080680.2); c.3788C>T, p.Ala1263Val (NM_001424108.1); c.3122C>T, p.Ala1041Val (NM_001424109.1); c.2942C>T, p.Ala981Val (NM_001424110.1, NM_001424111.1); c.1922C>T, p.Ala641Val (NM_001424112.1); c.3647C>T, p.Ala1216Val (NM_080679.3); c.3710C>T, p.Ala1237Val (NM_080681.3); short protein forms A1041V, A1323V, A641V, A981V, A1216V, A1237V, A1263V.
Identifiers: ClinVar variation 2915311 (VCV002915311.4), dbSNP rs764509712, ClinGen allele CA3750282.

ClinVar aggregate classification (germline): Conflicting classifications of pathogenicity. Review status: criteria provided, conflicting classifications (1 of 4 stars). 2 submissions from 2 submitters: Uncertain significance (1); Benign (1). Last evaluated 2026-09-06.

Conditions:
COL11A2-related disorder. Also called: COL11A2-related condition; COL11A2-related disorders.

Allele frequency attached by ClinVar (database versions not stated): gnomAD exomes 0.00001; TOPMed 0.00001; ExAC 0.00002.
gnomAD v4.1: 8 of 1,612,924 alleles (0.0005%); highest among the groups gnomAD compares: East Asian, 0.018%; no homozygotes.

Submissions (2):

PreventionGenetics, part of Exact Sciences
Classification: Uncertain significance for COL11A2-related condition. Last evaluated: 2026-09-06. Review status: criteria provided, single submitter. Criteria: ACMG Guidelines, 2015. Collection method: clinical testing. Allele origin: germline.
Comment: The COL11A2 c.3968C>T variant is predicted to result in the amino acid substitution p.Ala1323Val. To our knowledge, this variant has not been reported in the literature. This variant is reported in 0.038% of alleles in individuals of East Asian descent in gnomAD. At this time, the clinical significance of this variant is uncertain due to the absence of conclusive functional and genetic evidence.

Labcorp Genetics (formerly Invitae), Labcorp
Classification: Benign. Last evaluated: 2025-04-02. Review status: criteria provided, single submitter. Criteria: Invitae Variant Classification Sherloc (09022015). Collection method: clinical testing. Allele origin: germline.